The following is an entry in ClinVar:

NM_016373.4(WWOX):c.807C>T (p.Asn269=)

Gene: WWOX (WW domain containing oxidoreductase; plus strand). Cytogenetic location: 16q23.1.
Variant type: single nucleotide variant.
Coding change: c.807C>T on transcript NM_016373.4 (MANE Select); coding-DNA position 807, C replaced by T.
Protein change: p.Asn269=; no amino-acid change (asparagine 269 retained).
Molecular consequence: synonymous variant.
Genome position (GRCh38, 1-based): chr16:78,432,503, C>T. VCF-style: chr16-78432503-C-T. GRCh37 (hg19) VCF-style: chr16-78466400-C-T.
Other names: c.468C>T, p.Asn156= (NM_001291997.2).
Identifiers: ClinVar variation 415948 (VCV000415948.55), dbSNP rs62034095, ClinGen allele CA8183498.

ClinVar aggregate classification (germline): Benign/Likely benign. Review status: criteria provided, multiple submitters, no conflicts (2 of 4 stars). 8 submissions from 7 submitters: Benign (4); Likely benign (4). Last evaluated 2026-09-01.

Conditions:
Developmental and epileptic encephalopathy, 28 (DEE28). Also called: Epileptic encephalopathy, early infantile, 28. Identifiers: Orphanet 442835, MedGen C4015519, MONDO:0014533, OMIM 616211.
Developmental and epileptic encephalopathy, 1 (DEE1). Also called: X-linked infantile spasms; West's syndrome; Tonic spasms with clustering, arrest of psychomotor development and hypsarrhythmia on EEG; X-Linked Infantile Spasm Syndrome; OHTAHARA SYNDROME, X-LINKED; INFANTILE SPASM SYNDROME, X-LINKED 1. Identifiers: MedGen C3463992, MONDO:0010632, OMIM 308350. Disease mechanism: loss of function.
Autosomal recessive spinocerebellar ataxia 12. Also called: SPINOCEREBELLAR ATAXIA WITH MENTAL RETARDATION AND EPILEPSY. Identifiers: Orphanet 284282, MedGen C3280452, MONDO:0013687, OMIM 614322.

Allele frequency attached by ClinVar (database versions not stated): 1000 Genomes Project 30x 0.00016; gnomAD 0.00067; TOPMed 0.00088; ESP Exome Variant Server 0.00151.
gnomAD v4.1: 2,443 of 1,614,104 alleles (0.15%); highest among the groups gnomAD compares: Non-Finnish European, 0.19%; 4 homozygotes.

Submissions (8):

CeGaT Center for Human Genetics Tuebingen
Classification: Likely benign. Last evaluated: 2026-09-01. Review status: criteria provided, single submitter. Criteria: CeGaT Center For Human Genetics Tuebingen Variant Classification Criteria Version 2. Collection method: clinical testing. Allele origin: germline. Affected: yes. Observed: 18 variant alleles.
Comment: WWOX: BP4, BP7

Labcorp Genetics (formerly Invitae), Labcorp
Classification: Benign for Developmental and epileptic encephalopathy, 1; Autosomal recessive spinocerebellar ataxia 12. Last evaluated: 2026-02-02. Review status: criteria provided, single submitter. Criteria: Invitae Variant Classification Sherloc (09022015). Collection method: clinical testing. Allele origin: germline.

Blueprint Genetics
Classification: Likely benign. Last evaluated: 2024-10-10. Review status: criteria provided, single submitter. Criteria: ACMG Guidelines, 2015. Collection method: clinical testing. Allele origin: germline.

Genome-Nilou Lab
Classification: Benign for Developmental and epileptic encephalopathy, 28. Last evaluated: 2021-12-05. Review status: criteria provided, single submitter. Criteria: ACMG Guidelines, 2015. Collection method: clinical testing. Allele origin: germline. Affected: no.

Genome-Nilou Lab
Classification: Benign for Autosomal recessive spinocerebellar ataxia 12. Last evaluated: 2021-12-05. Review status: criteria provided, single submitter. Criteria: ACMG Guidelines, 2015. Collection method: clinical testing. Allele origin: germline. Affected: no.

GeneDx
Classification: Likely benign. Last evaluated: 2020-09-09. Review status: criteria provided, single submitter. Criteria: GeneDx Variant Classification Process June 2021. Collection method: clinical testing. Allele origin: germline. Affected: yes.

Athena Diagnostics
Classification: Benign. Last evaluated: 2018-06-18. Review status: criteria provided, single submitter. Criteria: Athena Diagnostics Criteria. Collection method: clinical testing. Allele origin: germline.

Genetic Services Laboratory, University of Chicago
Classification: Likely benign. Last evaluated: 2016-08-19. Review status: criteria provided, single submitter. Criteria: ACMG Guidelines, 2015. Collection method: clinical testing. Allele origin: germline. Affected: no.